The following is an entry in ClinVar:

NM_004260.4(RECQL4):c.715G>T (p.Ala239Ser)

Gene: RECQL4 (RecQ like helicase 4; minus strand). Cytogenetic location: 8q24.3.
Variant type: single nucleotide variant.
Coding change: c.715G>T on transcript NM_004260.4 (MANE Select); coding-DNA position 715, G replaced by T.
Protein change: p.Ala239Ser; replaces alanine 239 with serine.
Molecular consequence: missense variant. On other transcripts: 5 prime UTR variant (17), non-coding transcript variant (3).
Genome position (GRCh38, 1-based): chr8:144,516,404, C>A on the plus strand (G>T on the coding strand, the complement: RECQL4 is on the minus strand). VCF-style: chr8-144516404-C-A. GRCh37 (hg19) VCF-style: chr8-145741788-C-A.
Other names: c.715G>T, p.Ala239Ser (NM_001413017.1, NM_001413018.1, NM_001413019.1 and 4 more transcripts); c.-357G>T (NM_001413021.1, NM_001413022.1, NM_001413023.1 and 7 more transcripts); c.586G>T, p.Ala196Ser (NM_001413025.1); c.-419G>T (NM_001413027.1, NM_001413030.1, NM_001413031.1 and 2 more transcripts); c.364G>T, p.Ala122Ser (NM_001413029.1); c.-261G>T (NM_001413034.1); c.-626G>T (NM_001413043.1); short protein forms A196S, A122S, A239S.
Identifiers: ClinVar variation 2863360 (VCV002863360.3), dbSNP rs1286829220, ClinGen allele CA372689548.
Genomic context (GRCh38, chr8:144,516,404, plus strand): 5'-CTCCACTGCTGCTGGGCTGGGGGCTCCCCACACGGATGCTGACTTCTTGGAAGGCTGAAG[C>A]CTCTGGGCCCTGGGAGCCAGCACCAGGACCAAGGACAGCCGACTCACCAGGGATCAGAAG-3'
Protein context (NP_004251.4, residues 229-249): GPGAGSQGPE[Ala239Ser]SAFQEVSIRV

ClinVar aggregate classification (germline): Uncertain significance (1 of 4 stars; one submission).

Conditions:
Baller-Gerold syndrome (BGS). Also called: CRANIOSYNOSTOSIS WITH RADIAL DEFECTS. Identifiers: Orphanet 1225, MedGen C0265308, MONDO:0009039, OMIM 218600.

Submission:

Labcorp Genetics (formerly Invitae), Labcorp
Classification: Uncertain significance for Baller-Gerold syndrome. Last evaluated: 2023-05-11. Review status: criteria provided, single submitter. Criteria: Invitae Variant Classification Sherloc (09022015). Collection method: clinical testing. Allele origin: germline.
Comment: This variant has not been reported in the literature in individuals affected with RECQL4-related conditions. In summary, the available evidence is currently insufficient to determine the role of this variant in disease. Therefore, it has been classified as a Variant of Uncertain Significance. Experimental studies and prediction algorithms are not available or were not evaluated, and the functional significance of this variant is currently unknown. This variant is not present in population databases (gnomAD no frequency). This sequence change replaces alanine, which is neutral and non-polar, with serine, which is neutral and polar, at codon 239 of the RECQL4 protein (p.Ala239Ser).